The following is an entry in ClinVar:

ClinVar aggregate classification (germline): Likely benign. Review status: criteria provided, multiple submitters, no conflicts (2 of 4 stars). 4 submissions from 4 submitters: Likely benign (3). 1 of the submissions does not count toward it. Last evaluated 2025-09-25.

Conditions:
Polycystic kidney disease, adult type (PKD1). Also called: POLYCYSTIC KIDNEY DISEASE, ADULT, TYPE I; Polycystic Kidney Disease 1, Autosomal Dominant; Polycystic kidney disease 1; Polycystic kidney disease 1, severe; Polycystic Kidney, Autosomal Dominant; POLYCYSTIC KIDNEY DISEASE 1 WITH OR WITHOUT POLYCYSTIC LIVER DISEASE. Identifiers: MedGen C3149841, MONDO:0008263, OMIM 173900.
Polycystic kidney disease. Also called: Polycystic kidney dysplasia; Kidney, Polycystic. Identifiers: MedGen C0022680, MeSH D007690, MONDO:0020642, HP:0000113.

Allele frequency attached by ClinVar (database versions not stated): gnomAD exomes 0.00022; ExAC 0.00044; TOPMed 0.00080; ESP Exome Variant Server 0.00085.
gnomAD v4.1: 227 of 1,575,130 alleles (0.014%); highest among the groups gnomAD compares: African/African-American, 0.27%; no homozygotes.

Submissions (5):

Mayo Clinic Laboratories, Mayo Clinic
Classification: Likely benign. Last evaluated: 2025-09-25. Review status: criteria provided, single submitter. Criteria: ACMG Guidelines, 2015. Collection method: clinical testing. Allele origin: germline. Observed: 1 variant allele.
Comment: BS1, BP4, BP7

Women's Health and Genetics/Laboratory Corporation of America, LabCorp
Classification: Likely benign. Last evaluated: 2025-04-22. Review status: criteria provided, single submitter. Criteria: LabCorp Variant Classification Summary - May 2015. Collection method: clinical testing. Allele origin: germline.

Fulgent Genetics
Classification: Likely benign for Polycystic kidney disease, adult type. Last evaluated: 2021-09-01. Review status: criteria provided, single submitter. Criteria: ACMG Guidelines, 2015. Collection method: clinical testing. Allele origin: unknown.

Department of Pathology and Laboratory Medicine, Sinai Health System
Classification: Likely benign for Polycystic Kidney disease. Review status: no assertion criteria provided. Collection method: clinical testing. Allele origin: unknown. Affected: yes. Study: The Canadian Open Genetics Repository (COGR). Not counted in ClinVar's aggregate classification.
Comment: The PKD1 c.10822-8C>G variant was not identified in the literature nor was it identified in the ClinVar, GeneInsight-COGR, LOVD 3.0, or PKD1-LOVD, databases. The variant was identified in dbSNP (ID: rs9924796), and in ADPKD Mutation Database (likely neutral). The variant was identified in control databases in 62 of 214072 chromosomes at a frequency of 0.0003 increasing the likelihood this could be a low frequency benign variant (Genome Aggregation Database Feb 27, 2017). The variant was observed in the following populations: African in 52 of 18794 chromosomes (freq: 0.003), Latino in 9 of 29806 chromosomes (freq: 0.0003), European in 1 of 91294 chromosomes (freq: 0.00001), while the variant was not observed in the Other, Ashkenazi Jewish, East Asian, Finnish, and South Asian populations. The c.10822-8C>G variant is located in the 3' splice region but does not affect the invariant -1 and -2 positions. However, positions -3 and -5 to -12 are part of the splicing consensus sequence and variants involving these positions sometimes affect splicing. However, in silico or computational prediction software programs (SpliceSiteFinder, MaxEntScan, NNSPLICE, GeneSplicer, HumanSpliceFinder) do not predict a difference in splicing. In summary, based on the above information the clinical significance of this variant cannot be determined with certainty at this time although we would lean towards a more benign role for this variant. This variant is classified as likely benign.

Dr. Peter K. Rogan Lab, Western University
No classification provided (evidence only). Condition: Uterine corpus endometrial carcinoma. Review status: no classification provided. Collection method: in vitro. Allele origin: not applicable. Functional consequence: retained intron. Not counted in ClinVar's aggregate classification.

NM_001009944.3(PKD1):c.10822-8C>G

Genes: PKD1 (polycystin 1, transient receptor potential channel interacting; minus strand), PKD1-AS1 (PKD1 antisense RNA 1; plus strand). Cytogenetic location: 16p13.3.
Variant type: single nucleotide variant.
Coding change: c.10822-8C>G on transcript NM_001009944.3 (MANE Select); 8 bases into the intron before coding-DNA position 10822, C replaced by G.
Molecular consequence: intron variant.
Genome position (GRCh38, 1-based): chr16:2,093,746, G>C on the plus strand (C>G on the coding strand, the complement: PKD1 is on the minus strand). VCF-style: chr16-2093746-G-C. GRCh37 (hg19) VCF-style: chr16-2143747-G-C.
Other names: NC_000016.9:g.2143747G>C; p.?; c.10819-8C>G (NM_000296.4).
Identifiers: ClinVar variation 997253 (VCV000997253.6), dbSNP rs9924796, ClinGen allele CA7829415.